The following is an entry in ClinVar:

ClinVar aggregate classification (germline): Likely benign. Review status: criteria provided, multiple submitters, no conflicts (2 of 4 stars). 4 submissions from 4 submitters: Likely benign (4). Last evaluated 2025-10-21.

Conditions:
TERT-related disorder. Also called: TERT-related disorders; TERT-related condition.
Dyskeratosis congenita. Identifiers: Orphanet 1775, MedGen C0265965, MONDO:0015780.
Idiopathic Pulmonary Fibrosis. Also called: Idiopathic fibrosing alveolitis, chronic form; idiopathic fibrosing alveolitis. Identifiers: Orphanet 2032, MedGen C1800706, MeSH D054990, MONDO:0800504.
Dyskeratosis congenita, autosomal dominant 2. Identifiers: MedGen C3151443, MONDO:0013521, OMIM 613989.

Allele frequency attached by ClinVar (database versions not stated): gnomAD exomes 0.00002 and 0.00005; ExAC 0.00006; TOPMed 0.00007; ESP Exome Variant Server 0.00008; gnomAD 0.00009 and 0.00010; 1000 Genomes Project 0.00020; 1000 Genomes Project 30x 0.00031.
gnomAD v4.1: 50 of 1,614,120 alleles (0.0031%); highest among the groups gnomAD compares: African/African-American, 0.031%; no homozygotes.

Submissions (4):

Labcorp Genetics (formerly Invitae), Labcorp
Classification: Likely benign for Dyskeratosis congenita, autosomal dominant 2; Idiopathic Pulmonary Fibrosis. Last evaluated: 2025-10-21. Review status: criteria provided, single submitter. Criteria: Invitae Variant Classification Sherloc (09022015). Collection method: clinical testing. Allele origin: germline.

PreventionGenetics, part of Exact Sciences
Classification: Likely benign for TERT-related condition. Last evaluated: 2025-09-22. Review status: criteria provided, single submitter. Criteria: ACMG Guidelines, 2015. Collection method: clinical testing. Allele origin: germline.
Comment: This variant is classified as likely benign based on ACMG/AMP sequence variant interpretation guidelines (Richards et al. 2015 PMID: 25741868, with internal and published modifications).

CeGaT Center for Human Genetics Tuebingen
Classification: Likely benign. Last evaluated: 2024-09-01. Review status: criteria provided, single submitter. Criteria: CeGaT Center For Human Genetics Tuebingen Variant Classification Criteria Version 2. Collection method: clinical testing. Allele origin: germline. Affected: yes. Observed: 1 variant allele.
Comment: TERT: BP4, BP7

Ambry Genetics
Classification: Likely benign for Dyskeratosis congenita. Last evaluated: 2023-06-27. Review status: criteria provided, single submitter. Criteria: Ambry Variant Classification Scheme 2023. Collection method: clinical testing. Allele origin: germline.

NM_198253.3(TERT):c.2151C>T (p.Tyr717=)

Gene: TERT (telomerase reverse transcriptase; minus strand). Cytogenetic location: 5p15.33.
Variant type: single nucleotide variant.
Coding change: c.2151C>T on transcript NM_198253.3 (MANE Select); coding-DNA position 2151, C replaced by T.
Protein change: p.Tyr717=; no amino-acid change (tyrosine 717 retained).
Molecular consequence: synonymous variant. On other transcripts: non-coding transcript variant (1).
Genome position (GRCh38, 1-based): chr5:1,278,776, G>A on the plus strand (C>T on the coding strand, the complement: TERT is on the minus strand). VCF-style: chr5-1278776-G-A. GRCh37 (hg19) VCF-style: chr5-1278891-G-A.
Other names: c.2151C>T, p.Tyr717= (NM_001193376.3).
Identifiers: ClinVar variation 539273 (VCV000539273.29), dbSNP rs147261325, ClinGen allele CA3184637.